The following is an entry in ClinVar:

NC_012920.1(MT-CO1):m.7363A>G

Gene: MT-CO1 (mitochondrially encoded cytochrome c oxidase I; plus strand).
Variant type: single nucleotide variant.
Genome position: chrM-7363-A-G.
Identifiers: ClinVar variation 692738 (VCV000692738.1), dbSNP rs1603220918, ClinGen allele CA414792574.

ClinVar aggregate classification (germline): Likely benign (1 of 4 stars; one submission).

Conditions:
Leigh syndrome (NULS). Also called: Leigh's necrotizing encephalopathy; Leigh's disease; Leigh Syndrome (mtDNA deletion); Leigh Disease; Subacute necrotizing encephalopathy; Necrotizing encephalopathy infantile subacute of Leigh. Identifiers: Orphanet 506, MedGen C2931891, MONDO:0009723, OMIM 256000.

Submission:

Wong Mito Lab, Molecular and Human Genetics, Baylor College of Medicine
Classification: Likely benign for Leigh syndrome. Last evaluated: 2019-10-17. Review status: criteria provided, single submitter. Criteria: Modified ACMG Guidelines (Unpublished). Collection method: clinical testing. Allele origin: germline.
Comment: The NC_012920.1:m.7363A>G (YP_003024028.1:p.Glu487Gly) variant in MTCO1 gene is interpretated to be a Likely Benign variant based on the modified ACMG guidelines (unpublished). This variant meets the following evidence codes: BS4, BP4